The following is an entry in ClinVar:

NM_001035.3(RYR2):c.2953T>C (p.Phe985Leu)

Gene: RYR2 (ryanodine receptor 2; plus strand). Cytogenetic location: 1q43.
Variant type: single nucleotide variant.
Coding change: c.2953T>C on transcript NM_001035.3 (MANE Select); coding-DNA position 2953, T replaced by C.
Protein change: p.Phe985Leu; replaces phenylalanine 985 with leucine.
Molecular consequence: missense variant.
Genome position (GRCh38, 1-based): chr1:237,548,477, T>C. VCF-style: chr1-237548477-T-C. GRCh37 (hg19) VCF-style: chr1-237711777-T-C.
Other names: short protein forms F985L.
Identifiers: ClinVar variation 3070427 (VCV003070427.3), dbSNP rs2546276483, ClinGen allele CA345393518.
Genomic context (GRCh38, chr1:237,548,477, plus strand): 5'-TCTCTGATTTGTAGTTACCAGCTGACAAGTGGATACAAGCCTGCCCCTATGGACCTGAGC[T>C]TTATCAAACTCACCCCATCACAAGAAGCAATGGTGGACAAGTTGGCAGAAAATGCACATA-3'
Protein context (NP_001026.2, residues 975-995): GYKPAPMDLS[Phe985Leu]IKLTPSQEAM

ClinVar aggregate classification (germline): Uncertain significance. Review status: criteria provided, multiple submitters, no conflicts (2 of 4 stars). 2 submissions from 2 submitters: Uncertain significance (2). Last evaluated 2025-10-16.

Conditions:
Catecholaminergic polymorphic ventricular tachycardia (CVPT). Also called: Catecholamine-induced polymorphic ventricular tachycardia. Identifiers: Orphanet 3286, MedGen C5574922, MONDO:0017990.

Allele frequency attached by ClinVar (database versions not stated): gnomAD exomes below 0.00001.
gnomAD v4.1: 1 of 1,613,968 alleles (0.000062%); highest among the groups gnomAD compares: Non-Finnish European, 0.000085%; no homozygotes.

Submissions (2):

Dasa
Classification: Uncertain significance. Last evaluated: 2025-10-16. Review status: criteria provided, single submitter. Criteria: DASA Assertion Criteria. Collection method: clinical testing. Allele origin: germline.
Comment: NM_001035.3(RYR2):c.2953T>C (p.Phe985Leu) is a missense variant that results in the substitution of phenylalanine with leucine. This variant is rare in population databases. The currently available literature and clinical evidence are not sufficient to establish a definitive association between this variant and the reported condition. Therefore, this variant is classified as a variant of uncertain significance.

All of Us Research Program, National Institutes of Health
Classification: Uncertain significance for Catecholaminergic polymorphic ventricular tachycardia. Last evaluated: 2023-04-10. Review status: criteria provided, single submitter. Criteria: ACMG Guidelines, 2015. Collection method: clinical testing. Allele origin: germline. Inheritance: Autosomal dominant inheritance. Observed: 1 variant allele, 1 heterozygote.
Comment: This missense variant replaces phenylalanine with leucine at codon 985 of the RYR2 protein. Computational prediction suggests that this variant may not impact protein structure and function (internally defined REVEL score threshold <= 0.5, PMID: 27666373). To our knowledge, functional studies have not been reported for this variant. This variant has not been reported in individuals affected with RYR2-related disorders in the literature. This variant has not been identified in the general population by the Genome Aggregation Database (gnomAD). The available evidence is insufficient to determine the role of this variant in disease conclusively. Therefore, this variant is classified as a Variant of Uncertain Significance.

This study involves interpretation of variants in research participants for the purpose of population health screening. Participant phenotype was not available at the time of variant classification. Additional details can be found in publication PMID: 35346344, PMCID: PMC8962531